The following continues an entry in ClinVar:

NM_000545.8(HNF1A):c.1340C>T (p.Pro447Leu)

Gene: HNF1A. ClinVar aggregate classification (germline): Pathogenic. Pathogenic (1).

Submissions 8 to 12 of 12:

Athena Diagnostics
Classification: Pathogenic. Last evaluated: 2022-09-12. Review status: criteria provided, single submitter. Criteria: Athena Diagnostics Criteria. Collection method: clinical testing. Allele origin: unknown. Not counted in ClinVar's aggregate classification.
Comment: The frequency of this variant in the general population is consistent with pathogenicity (Genome Aggregation Database (gnomAD), Cambridge, MA (URL)). This variant segregates with disease in multiple families. Assessment of experimental evidence suggests this variant results in abnormal protein function. Studies showed reduction in transcription activity (PMID: 24915262, 10585442, 12530534).

Women's Health and Genetics/Laboratory Corporation of America, LabCorp
Classification: Pathogenic for Maturity-onset diabetes of the young. Last evaluated: 2021-05-26. Review status: criteria provided, single submitter. Criteria: LabCorp Variant Classification Summary - May 2015. Collection method: clinical testing. Allele origin: germline. Not counted in ClinVar's aggregate classification.
Comment: Variant summary: HNF1A c.1340C>T (p.Pro447Leu) results in a non-conservative amino acid change located in the C-terminal domain (IPR006897) of the encoded protein sequence. Five of five in-silico tools predict a damaging effect of the variant on protein function. The variant allele was found at a frequency of 1.2e-05 in 249186 control chromosomes (gnomAD). c.1340C>T has been reported in the literature in multiple individuals affected with or suspected of Maturity Onset Diabetes of the Young 3 (example: Yamagata_1996, Estalella_2007. Yorifuji_2018) . These data indicate that the variant is very likely to be associated with disease. In in vitro functional studies, the variant was found to have reduced DNA binding and transcriptional activity (example: Thomas_2002, Najmi_2017). Two ClinVar submitters (evaluation after 2014) cite the variant as pathogenic. Based on the evidence outlined above, the variant was classified as pathogenic.

Fulgent Genetics
Classification: Pathogenic for Type 2 diabetes mellitus; Hepatic adenomas, familial; Nonpapillary renal cell carcinoma; Diabetes mellitus type 1; Maturity-onset diabetes of the young type 3; Type 1 diabetes mellitus 20. Last evaluated: 2018-10-31. Review status: criteria provided, single submitter. Criteria: ACMG Guidelines, 2015. Collection method: clinical testing. Allele origin: unknown. Not counted in ClinVar's aggregate classification.

Clinical Genomics, Uppaluri K&H Personalized Medicine Clinic
Classification: Pathogenic for Maturity-onset diabetes of the young. Review status: criteria provided, single submitter. Criteria: K & H Uppaluri Personalized Medicine Clinic Variant Classification & Assertion Criteria_Updated V.1. Collection method: research. Allele origin: unknown. Inheritance: Autosomal dominant inheritance. Not counted in ClinVar's aggregate classification.
Comment: Mutations in HNF1A gene can predispose to MODY3. It is associated with both micro and macrovascular complications of diabetes, especially cardiovascular complications. Associated with glucosuria. May respond well to sulfonylureas. Sufficient evidence is found to confer the association of this particular variant rs137853236 with MODY3.

OMIM
Classification: Pathogenic for MATURITY-ONSET DIABETES OF THE YOUNG, TYPE 3. Last evaluated: 1997-04-01. Review status: no assertion criteria provided. Collection method: literature only. Allele origin: germline. Not counted in ClinVar's aggregate classification.

Literature cited by the submitters: PubMed 12530534 (cited by 4 submitters); PubMed 10585442 (cited by ClinGen Monogenic Diabetes Variant Curation Expert Panel and Athena Diagnostics); PubMed 27899486 (cited by 3 submitters); PubMed 8945470 (cited by 4 submitters); PubMed 24915262 (cited by Athena Diagnostics); PubMed 29207974 (cited by Athena Diagnostics); PubMed 21224407 (cited by Athena Diagnostics); PubMed 28701371 (cited by Athena Diagnostics); PubMed 25555642 (cited by Athena Diagnostics); PubMed 25483937 (cited by Athena Diagnostics); PubMed 29927023 (cited by Athena Diagnostics and Women's Health and Genetics/Laboratory Corporation of America, LabCorp); PubMed 32041611 (cited by Athena Diagnostics); PubMed 34496959 (cited by Athena Diagnostics and Clinical Genomics, Uppaluri K&H Personalized Medicine Clinic); PubMed 11296231 (cited by Athena Diagnostics); PubMed 12574234 (cited by Athena Diagnostics); PubMed 17407387 (cited by Athena Diagnostics); PubMed 17573900 (cited by Athena Diagnostics and Women's Health and Genetics/Laboratory Corporation of America, LabCorp); PubMed 17937063 (cited by Athena Diagnostics); PubMed 9075819 (cited by Athena Diagnostics and OMIM); PubMed 20393147 (cited by Athena Diagnostics); PubMed 18838325 (cited by Athena Diagnostics); PubMed 34741762 (cited by Clinical Genomics, Uppaluri K&H Personalized Medicine Clinic).